The following is an entry in ClinVar:

ClinVar aggregate classification (germline): Likely benign. Review status: criteria provided, multiple submitters, no conflicts (2 of 4 stars). 2 submissions from 2 submitters: Likely benign (2). Last evaluated 2026-01-31.

Conditions:
COL7A1-related disorder. Also called: COL7A1- related disorders; COL7A1-related condition.

Allele frequency attached by ClinVar (database versions not stated): gnomAD exomes 0.00002 and 0.00006; ESP Exome Variant Server 0.00008; ExAC 0.00009; gnomAD 0.00013 and 0.00015; TOPMed 0.00022.
gnomAD v4.1: 53 of 1,614,014 alleles (0.0033%); highest among the groups gnomAD compares: African/African-American, 0.059%; no homozygotes.

Submissions (2):

Labcorp Genetics (formerly Invitae), Labcorp
Classification: Likely benign. Last evaluated: 2026-01-31. Review status: criteria provided, single submitter. Criteria: Invitae Variant Classification Sherloc (09022015). Collection method: clinical testing. Allele origin: germline.

PreventionGenetics, part of Exact Sciences
Classification: Likely benign for COL7A1-related condition. Last evaluated: 2025-05-09. Review status: criteria provided, single submitter. Criteria: ACMG Guidelines, 2015. Collection method: clinical testing. Allele origin: germline.
Comment: This variant is classified as likely benign based on ACMG/AMP sequence variant interpretation guidelines (Richards et al. 2015 PMID: 25741868, with internal and published modifications).

NM_000094.4(COL7A1):c.7929+17G>A

Gene: COL7A1 (collagen type VII alpha 1 chain; minus strand). Cytogenetic location: 3p21.31.
Variant type: single nucleotide variant.
Coding change: c.7929+17G>A on transcript NM_000094.4 (MANE Select); 17 bases into the intron after coding-DNA position 7929, G replaced by A.
Molecular consequence: intron variant.
Genome position (GRCh38, 1-based): chr3:48,567,821, C>T on the plus strand (G>A on the coding strand, the complement: COL7A1 is on the minus strand). VCF-style: chr3-48567821-C-T. GRCh37 (hg19) VCF-style: chr3-48605254-C-T.
Other names: c.7929+17G>A (NM_000094.3).
Identifiers: ClinVar variation 1584949 (VCV001584949.10), dbSNP rs377368133, ClinGen allele CA2378255.